The following is an entry in ClinVar:

ClinVar aggregate classification (germline): Uncertain significance (1 of 4 stars; one submission).

Submission:

GeneDx
Classification: Uncertain significance. Last evaluated: 2021-06-24. Review status: criteria provided, single submitter. Criteria: GeneDx Variant Classification Process June 2021. Collection method: clinical testing. Allele origin: germline. Affected: yes.
Comment: Not observed at significant frequency in large population cohorts (Lek et al., 2016); In silico analysis supports that this missense variant does not alter protein structure/function; Has not been previously published as pathogenic or benign to our knowledge

NM_001379451.1(BCORL1):c.1987T>G (p.Ser663Ala)

Gene: BCORL1 (BCL6 corepressor like 1; plus strand). Cytogenetic location: Xq26.1.
Variant type: single nucleotide variant.
Coding change: c.1987T>G on transcript NM_001379451.1 (MANE Select); coding-DNA position 1987, T replaced by G.
Protein change: p.Ser663Ala; replaces serine 663 with alanine.
Molecular consequence: missense variant.
Genome position (GRCh38, 1-based): chrX:130,014,759, T>G. VCF-style: chrX-130014759-T-G. GRCh37 (hg19) VCF-style: chrX-129148735-T-G.
Other names: c.1987T>G, p.Ser663Ala (NM_001184772.3, NM_001379450.1, NM_021946.5); short protein forms S663A.
Identifiers: ClinVar variation 1329657 (VCV001329657.2), dbSNP rs2124448203, ClinGen allele CA414587767.
Genomic context (GRCh38, chrX:130,014,759, plus strand): 5'-CCCATGCCTGTGTTGACCCCCGTGCACACCAGCAGCAAGGCCCTCCTCTCCACAGTCCTG[T>G]CTAGGTCTCAGCGCACAACCCAGGCTGCCGGTGGCAATGTCACCTCCTGCCTGGGCTCCA-3'
Protein context (NP_001366380.1, residues 653-673): SSKALLSTVL[Ser663Ala]RSQRTTQAAG